The following is an entry in ClinVar:

NM_003628.6(PKP4):c.1358T>G (p.Leu453Arg)

Gene: PKP4 (plakophilin 4; plus strand). Cytogenetic location: 2q24.1.
Variant type: single nucleotide variant.
Coding change: c.1358T>G on transcript NM_003628.6 (MANE Select); coding-DNA position 1358, T replaced by G.
Protein change: p.Leu453Arg; replaces leucine 453 with arginine.
Molecular consequence: missense variant.
Genome position (GRCh38, 1-based): chr2:158,634,085, T>G. VCF-style: chr2-158634085-T-G. GRCh37 (hg19) VCF-style: chr2-159490597-T-G.
Other names: c.1358T>G, p.Leu453Arg (NM_001005476.4, NM_001304971.2, NM_001377218.1 and 1 more transcripts); c.1355T>G, p.Leu452Arg (NM_001304969.3, NM_001377219.1, NM_001377220.1 and 2 more transcripts); c.329T>G, p.Leu110Arg (NM_001304970.3); c.1352T>G, p.Leu451Arg (NM_001377222.1, NM_001377223.1); c.1349T>G, p.Leu450Arg (NM_001377224.1); short protein forms L453R, L110R, L452R, L450R, L451R.
Identifiers: ClinVar variation 3889687 (VCV003889687.1).
Genomic context (GRCh38, chr2:158,634,085, plus strand): 5'-CTCATGGAGAACATACTAATCTTTTTCAAAATGTTGACTTTCTAGTAGGTATTGGAAATC[T>G]ACAAAGGACATCCAGCCAACGAAGTACCCTTACATACCAAAGAAATAATTATGCTCTGAA-3'
Protein context (NP_003619.2, residues 443-463): YRTGSVGIGN[Leu453Arg]QRTSSQRSTL

ClinVar aggregate classification (germline): Uncertain significance (1 of 4 stars; one submission).

gnomAD v4.1: 10 of 1,607,670 alleles (0.00062%); highest among the groups gnomAD compares: African/African-American, 0.008%; no homozygotes.

Submission:

Ambry Genetics
Classification: Uncertain significance. Last evaluated: 2025-01-31. Review status: criteria provided, single submitter. Criteria: Ambry Variant Classification Scheme 2023. Collection method: clinical testing. Allele origin: germline.
Comment: The p.L453R variant (also known as c.1358T>G), located in coding exon 8 of the PKP4 gene, results from a T to G substitution at nucleotide position 1358. The leucine at codon 453 is replaced by arginine, an amino acid with dissimilar properties. This amino acid position is conserved. In addition, this alteration is predicted to be deleterious by in silico analysis. Based on the available evidence, the clinical significance of this variant remains unclear.